The following is an entry in ClinVar:

NM_001029.5(RPS26):c.3+4A>C

Gene: RPS26 (ribosomal protein S26; plus strand). Cytogenetic location: 12q13.2.
Variant type: single nucleotide variant.
Coding change: c.3+4A>C on transcript NM_001029.5 (MANE Select); 4 bases into the intron after coding-DNA position 3, A replaced by C.
Molecular consequence: intron variant.
Genome position (GRCh38, 1-based): chr12:56,042,173, A>C. VCF-style: chr12-56042173-A-C. GRCh37 (hg19) VCF-style: chr12-56435957-A-C.
Identifiers: ClinVar variation 2042654 (VCV002042654.4), dbSNP rs201248213, ClinGen allele CA6621651.
Genomic context (GRCh38, chr12:56,042,173, plus strand): 5'-ATATAGGAGGGCCCTGCCAGGCACCGTCTCCTCTCTCCGGTCCGTGCCTCCAAGATGGTG[A>C]GTCTTCTTGCGTGGTGAGGGTGGGGGTTCGGGTGCAGACTCTGGGATTGTGGGGAAGTGA-3'

ClinVar aggregate classification (germline): Uncertain significance (1 of 4 stars; one submission).

Conditions:
Diamond-Blackfan anemia 10 (DBA10). Also called: RPS26-Related Diamond-Blackfan Anemia. Identifiers: Orphanet 124, MedGen C2750080, MONDO:0013217, OMIM 613309.

Allele frequency attached by ClinVar (database versions not stated): gnomAD 0.00001.

Submission:

Labcorp Genetics (formerly Invitae), Labcorp
Classification: Uncertain significance for Diamond-Blackfan anemia 10. Last evaluated: 2023-09-19. Review status: criteria provided, single submitter. Criteria: Invitae Variant Classification Sherloc (09022015). Collection method: clinical testing. Allele origin: germline.
Comment: ClinVar contains an entry for this variant (Variation ID: 2042654). This variant has not been reported in the literature in individuals affected with RPS26-related conditions. This variant is present in population databases (rs201248213, gnomAD 0.02%). This sequence change falls in intron 1 of the RPS26 gene. It does not directly change the encoded amino acid sequence of the RPS26 protein. It affects a nucleotide within the consensus splice site. In summary, the available evidence is currently insufficient to determine the role of this variant in disease. Therefore, it has been classified as a Variant of Uncertain Significance. Variants that disrupt the consensus splice site are a relatively common cause of aberrant splicing (PMID: 17576681, 9536098). Algorithms developed to predict the effect of sequence changes on RNA splicing suggest that this variant may create or strengthen a splice site.

Literature cited by the submitters: PubMed 17576681; PubMed 9536098.